The following is an entry in ClinVar:

NM_001323289.2(CDKL5):c.2377-1212A>G

Gene: CDKL5 (cyclin dependent kinase like 5; plus strand). Cytogenetic location: Xp22.13.
Variant type: single nucleotide variant.
Coding change: c.2377-1212A>G on transcript NM_001323289.2 (MANE Select); 1212 bases into the intron before coding-DNA position 2377, A replaced by G.
Molecular consequence: intron variant.
Genome position (GRCh38, 1-based): chrX:18,623,916, A>G. VCF-style: chrX-18623916-A-G. GRCh37 (hg19) VCF-style: chrX-18642036-A-G.
Other names: c.2377-1212A>G (NM_003159.3, NM_001037343.2).
Identifiers: ClinVar variation 3250865 (VCV003250865.18), dbSNP rs181987256.

ClinVar aggregate classification (germline): Likely benign (1 of 4 stars; one submission).

Allele frequency attached by ClinVar (database versions not stated): gnomAD 0.00013; TOPMed 0.00013; 1000 Genomes Project 30x 0.00021; 1000 Genomes Project 0.00026; gnomAD exomes 0.00037.
gnomAD v4.1: 246 of 741,591 alleles (0.033%); highest among the groups gnomAD compares: Non-Finnish European, 0.038%; no homozygotes.

Submission:

CeGaT Center for Human Genetics Tuebingen
Classification: Likely benign. Last evaluated: 2024-06-01. Review status: criteria provided, single submitter. Criteria: CeGaT Center For Human Genetics Tuebingen Variant Classification Criteria Version 2. Collection method: clinical testing. Allele origin: germline. Affected: yes. Observed: 1 variant allele.
Comment: CDKL5: BS2